The following is an entry in ClinVar:

ClinVar aggregate classification (germline): Uncertain significance (1 of 4 stars; one submission).

Submission:

Labcorp Genetics (formerly Invitae), Labcorp
Classification: Uncertain significance. Last evaluated: 2024-02-02. Review status: criteria provided, single submitter. Criteria: Invitae Variant Classification Sherloc (09022015). Collection method: clinical testing. Allele origin: germline.
Comment: This sequence change falls in intron 10 of the CFI gene. It does not directly change the encoded amino acid sequence of the CFI protein. It affects a nucleotide within the consensus splice site. This variant is not present in population databases (gnomAD no frequency). This variant has not been reported in the literature in individuals affected with CFI-related conditions. Variants that disrupt the consensus splice site are a relatively common cause of aberrant splicing (PMID: 17576681, 9536098). Algorithms developed to predict the effect of sequence changes on RNA splicing suggest that this variant may disrupt the consensus splice site. In summary, the available evidence is currently insufficient to determine the role of this variant in disease. Therefore, it has been classified as a Variant of Uncertain Significance.

Literature cited by the submitters: PubMed 17576681; PubMed 9536098.

NM_000204.5(CFI):c.1148+4A>G

Gene: CFI (complement factor I; minus strand). Cytogenetic location: 4q25.
Variant type: single nucleotide variant.
Coding change: c.1148+4A>G on transcript NM_000204.5 (MANE Select); 4 bases into the intron after coding-DNA position 1148, A replaced by G.
Molecular consequence: intron variant.
Genome position (GRCh38, 1-based): chr4:109,749,214, T>C on the plus strand (A>G on the coding strand, the complement: CFI is on the minus strand). VCF-style: chr4-109749214-T-C. GRCh37 (hg19) VCF-style: chr4-110670370-T-C.
Other names: c.1148+4A>G (NM_001375281.1, NM_001375279.1); c.1172+4A>G (NM_001375278.1, NM_001318057.2); c.539+4A>G (NM_001375284.1); c.1091+4A>G (NM_001375283.1); c.1127+4A>G (NM_001331035.2, NM_001375282.1, NM_001375280.1).
Identifiers: ClinVar variation 3638214 (VCV003638214.2).
Genomic context (GRCh38, chr4:109,749,214, plus strand): 5'-ACAATCTCTATTACTCACTTTCATTGTTTCGGGAAATCTAAAATTTACTGAAGACATCTT[T>C]TACCTGAGACAATGTGCAGCAGTCAGAATCCAACAGCCACCAATATAAATTCCCCCACAG-3'